The following is an entry in ClinVar:

NM_007373.4(SHOC2):c.815A>T (p.Glu272Val)

Gene: SHOC2 (SHOC2 leucine rich repeat scaffold protein; plus strand). Cytogenetic location: 10q25.2.
Variant type: single nucleotide variant.
Coding change: c.815A>T on transcript NM_007373.4 (MANE Select); coding-DNA position 815, A replaced by T.
Protein change: p.Glu272Val; replaces glutamic acid 272 with valine.
Molecular consequence: missense variant. On other transcripts: non-coding transcript variant (1), intron variant (1).
Genome position (GRCh38, 1-based): chr10:110,985,739, A>T. VCF-style: chr10-110985739-A-T. GRCh37 (hg19) VCF-style: chr10-112745497-A-T.
Other names: c.815A>T, p.Glu272Val (NM_001324336.2, NM_001324337.2); c.704-14676A>T (NM_001269039.3); short protein forms E272V.
Identifiers: ClinVar variation 1488205 (VCV001488205.6), dbSNP rs2134149258, ClinGen allele CA378391551.

ClinVar aggregate classification (germline): Uncertain significance (1 of 4 stars; one submission).

Conditions:
RASopathy. Also called: rasopathies; Noonan spectrum disorder. Identifiers: Orphanet 536391, MedGen C5555857, MONDO:0021060.

Submission:

Labcorp Genetics (formerly Invitae), Labcorp
Classification: Uncertain significance for RASopathy. Last evaluated: 2022-09-19. Review status: criteria provided, single submitter. Criteria: Invitae Variant Classification Sherloc (09022015). Collection method: clinical testing. Allele origin: germline.
Comment: This sequence change replaces glutamic acid, which is acidic and polar, with valine, which is neutral and non-polar, at codon 272 of the SHOC2 protein (p.Glu272Val). This variant is not present in population databases (gnomAD no frequency). In summary, the available evidence is currently insufficient to determine the role of this variant in disease. Therefore, it has been classified as a Variant of Uncertain Significance. Advanced modeling of protein sequence and biophysical properties (such as structural, functional, and spatial information, amino acid conservation, physicochemical variation, residue mobility, and thermodynamic stability) has been performed at Invitae for this missense variant, however the output from this modeling did not meet the statistical confidence thresholds required to predict the impact of this variant on SHOC2 protein function. ClinVar contains an entry for this variant (Variation ID: 1488205). This variant has not been reported in the literature in individuals affected with SHOC2-related conditions.